The following is an entry in ClinVar:

NM_000203.5(IDUA):c.656G>C (p.Gly219Ala)

Gene: IDUA (alpha-L-iduronidase; plus strand). Cytogenetic location: 4p16.3.
Variant type: single nucleotide variant.
Coding change: c.656G>C on transcript NM_000203.5 (MANE Select); coding-DNA position 656, G replaced by C.
Protein change: p.Gly219Ala; replaces glycine 219 with alanine.
Molecular consequence: missense variant. On other transcripts: non-coding transcript variant (1).
Genome position (GRCh38, 1-based): chr4:1,001,745, G>C. VCF-style: chr4-1001745-G-C. GRCh37 (hg19) VCF-style: chr4-995533-G-C.
Other names: c.260G>C, p.Gly87Ala (NM_001363576.1); short protein forms G219A, G87A.
Identifiers: ClinVar variation 3911939 (VCV003911939.2).
Genomic context (GRCh38, chr4:1,001,745, plus strand): 5'-TGAACTACTACGATGCCTGCTCGGAGGGTCTGCGCGCCGCCAGCCCCGCCCTGCGGCTGG[G>C]AGGCCCCGGCGACTCCTTCCACACCCCACCGCGATCCCCGCTGAGCTGGGGCCTCCTGCG-3'
Protein context (NP_000194.2, residues 209-229): LRAASPALRL[Gly219Ala]GPGDSFHTPP

ClinVar aggregate classification (germline): Uncertain significance (1 of 4 stars; one submission).

gnomAD v4.1: 3 of 1,598,598 alleles (0.00019%); highest among the groups gnomAD compares: Non-Finnish European, 0.00025%; no homozygotes.

Submission:

Women's Health and Genetics/Laboratory Corporation of America, LabCorp
Classification: Uncertain significance. Last evaluated: 2025-07-03. Review status: criteria provided, single submitter. Criteria: LabCorp Variant Classification Summary - May 2015. Collection method: clinical testing. Allele origin: germline.
Comment: Variant summary: IDUA c.656G>C (p.Gly219Ala) results in a non-conservative amino acid change in the encoded protein sequence. Algorithms developed to predict the effect of missense changes on protein structure and function all suggest that this variant is likely to be disruptive. The variant was absent in 224364 control chromosomes (gnomAD). The available data on variant occurrences in the general population are insufficient to allow any conclusion about variant significance. To our knowledge, no occurrence of c.656G>C in individuals affected with Mucopolysaccharidosis Type 1 and no experimental evidence demonstrating its impact on protein function have been reported. No submitters have cited clinical-significance assessments for this variant to ClinVar. Based on the evidence outlined above, the variant was classified as uncertain significance.